The following is an entry in ClinVar:

NM_001358530.2(MOCS1):c.398C>T (p.Pro133Leu)

Gene: MOCS1 (molybdenum cofactor synthesis 1; minus strand). Cytogenetic location: 6p21.2.
Variant type: single nucleotide variant.
Coding change: c.398C>T on transcript NM_001358530.2 (MANE Select); coding-DNA position 398, C replaced by T.
Protein change: p.Pro133Leu; replaces proline 133 with leucine.
Molecular consequence: missense variant. On other transcripts: non-coding transcript variant (1).
Genome position (GRCh38, 1-based): chr6:39,925,698, G>A on the plus strand (C>T on the coding strand, the complement: MOCS1 is on the minus strand). VCF-style: chr6-39925698-G-A. GRCh37 (hg19) VCF-style: chr6-39893442-G-A.
Other names: c.398C>T, p.Pro133Leu (NM_001075098.4, NM_001358529.2, NM_005943.6); c.137C>T, p.Pro46Leu (NM_001358531.2, NM_001358533.2, NM_001358534.2); short protein forms P133L, P46L.
Identifiers: ClinVar variation 960442 (VCV000960442.16), dbSNP rs139431867, ClinGen allele CA3796315.

ClinVar aggregate classification (germline): Uncertain significance. Review status: criteria provided, multiple submitters, no conflicts (2 of 4 stars). 6 submissions from 6 submitters: Uncertain significance (6). Last evaluated 2025-11-17.

Conditions:
Sulfite oxidase deficiency due to molybdenum cofactor deficiency type A. Also called: Molybdenum Cofactor Deficiency A; Molybdenum cofactor deficiency, complementation group A. Identifiers: Orphanet 308386, Orphanet 833, MedGen C1854988, MONDO:0009643, OMIM 252150.

Allele frequency attached by ClinVar (database versions not stated): ExAC 0.00006; TOPMed 0.00007; gnomAD 0.00009; ESP Exome Variant Server 0.00015.
gnomAD v4.1: 350 of 1,612,712 alleles (0.022%); highest among the groups gnomAD compares: Non-Finnish European, 0.028%; no homozygotes.

Submissions (6):

Dasa
Classification: Uncertain significance. Last evaluated: 2025-11-17. Review status: criteria provided, single submitter. Criteria: DASA Assertion Criteria. Collection method: clinical testing. Allele origin: germline.
Comment: NM_001358530.2(MOCS1):c.398C>T (p.Pro133Leu) is a missense variant that results in the substitution of proline with leucine. This variant is rare in population databases. Computational prediction algorithms are consistent with a deleterious effect. The currently available literature and clinical evidence are not sufficient to establish a definitive association between this variant and the reported condition. Therefore, this variant is classified as a variant of uncertain significance.

Blueprint Genetics
Classification: Uncertain significance. Last evaluated: 2024-10-25. Review status: criteria provided, single submitter. Criteria: ACMG Guidelines, 2015. Collection method: clinical testing. Allele origin: germline.

Labcorp Genetics (formerly Invitae), Labcorp
Classification: Uncertain significance for Sulfite oxidase deficiency due to molybdenum cofactor deficiency type A. Last evaluated: 2022-09-07. Review status: criteria provided, single submitter. Criteria: Invitae Variant Classification Sherloc (09022015). Collection method: clinical testing. Allele origin: germline.
Comment: This sequence change replaces proline, which is neutral and non-polar, with leucine, which is neutral and non-polar, at codon 133 of the MOCS1 protein (p.Pro133Leu). This variant is present in population databases (rs139431867, gnomAD 0.01%). This variant has not been reported in the literature in individuals affected with MOCS1-related conditions. ClinVar contains an entry for this variant (Variation ID: 960442). Algorithms developed to predict the effect of missense changes on protein structure and function (SIFT, PolyPhen-2, Align-GVGD) all suggest that this variant is likely to be tolerated. In summary, the available evidence is currently insufficient to determine the role of this variant in disease. Therefore, it has been classified as a Variant of Uncertain Significance.

Revvity Omics, Revvity
Classification: Uncertain significance for Sulfite oxidase deficiency due to molybdenum cofactor deficiency type A. Last evaluated: 2021-10-25. Review status: criteria provided, single submitter. Criteria: ACMG Guidelines, 2015. Collection method: clinical testing. Allele origin: germline.

Baylor Genetics
Classification: Uncertain significance for Sulfite oxidase deficiency due to molybdenum cofactor deficiency type A. Last evaluated: 2018-11-09. Review status: criteria provided, single submitter. Criteria: ACMG Guidelines, 2015. Collection method: clinical testing. Allele origin: maternal. Affected: yes.
Comment: This variant was determined to be of uncertain significance according to ACMG Guidelines, 2015 [PMID:25741868].

Illumina Laboratory Services, Illumina
Classification: Uncertain significance for Sulfite oxidase deficiency due to molybdenum cofactor deficiency type A. Last evaluated: 2018-01-12. Review status: criteria provided, single submitter. Criteria: ICSL Variant Classification Criteria 13 December 2019. Collection method: clinical testing. Allele origin: germline.